The following is an entry in ClinVar:

NM_004273.5(CHST3):c.320T>A (p.Met107Lys)

Gene: CHST3 (carbohydrate sulfotransferase 3; plus strand). Cytogenetic location: 10q22.1.
Variant type: single nucleotide variant.
Coding change: c.320T>A on transcript NM_004273.5 (MANE Select); coding-DNA position 320, T replaced by A.
Protein change: p.Met107Lys; replaces methionine 107 with lysine.
Molecular consequence: missense variant.
Genome position (GRCh38, 1-based): chr10:72,007,351, T>A. VCF-style: chr10-72007351-T-A. GRCh37 (hg19) VCF-style: chr10-73767109-T-A.
Other names: short protein forms M107K.
Identifiers: ClinVar variation 1384426 (VCV001384426.6), dbSNP rs765024887, ClinGen allele CA5548062.

ClinVar aggregate classification (germline): Uncertain significance (1 of 4 stars; one submission).

Conditions:
Spondyloepiphyseal dysplasia with congenital joint dislocations (SEDCJD). Also called: Chondrodysplasia with Congenital Joint Dislocations, CHST3-Related. Identifiers: Orphanet 263463, MedGen C1837657, MONDO:0007738, OMIM 143095.

Allele frequency attached by ClinVar (database versions not stated): gnomAD exomes 0.00002; gnomAD 0.00003; TOPMed 0.00003; ExAC 0.00004.

Submission:

Labcorp Genetics (formerly Invitae), Labcorp
Classification: Uncertain significance for Spondyloepiphyseal dysplasia with congenital joint dislocations. Last evaluated: 2023-08-17. Review status: criteria provided, single submitter. Criteria: Invitae Variant Classification Sherloc (09022015). Collection method: clinical testing. Allele origin: germline.
Comment: In summary, the available evidence is currently insufficient to determine the role of this variant in disease. Therefore, it has been classified as a Variant of Uncertain Significance. An algorithm developed to predict the effect of missense changes on protein structure and function (PolyPhen-2) suggests that this variant¬†is likely to be tolerated. ClinVar contains an entry for this variant (Variation ID: 1384426). This variant has not been reported in the literature in individuals affected with CHST3-related conditions. This variant is present in population databases (rs765024887, gnomAD 0.009%). This sequence change replaces methionine, which is neutral and non-polar, with lysine, which is basic and polar, at codon 107 of the CHST3 protein (p.Met107Lys).